The following is an entry in ClinVar:

NM_004415.4(DSP):c.116G>A (p.Arg39Lys)

Genes: DSP (desmoplakin; plus strand), DSP-AS1 (DSP antisense RNA 1; minus strand). Cytogenetic location: 6p24.3.
Variant type: single nucleotide variant.
Coding change: c.116G>A on transcript NM_004415.4 (MANE Select); coding-DNA position 116, G replaced by A.
Protein change: p.Arg39Lys; replaces arginine 39 with lysine.
Molecular consequence: missense variant.
Genome position (GRCh38, 1-based): chr6:7,542,031, G>A. VCF-style: chr6-7542031-G-A. GRCh37 (hg19) VCF-style: chr6-7542264-G-A.
Other names: c.116G>A, p.Arg39Lys (NM_001008844.3, NM_001319034.2, NM_001406591.1); short protein forms R39K.
Identifiers: ClinVar variation 3751357 (VCV003751357.2).

ClinVar aggregate classification (germline): Uncertain significance (1 of 4 stars; one submission).

Conditions:
Arrhythmogenic right ventricular dysplasia 8 (ARVD8). Also called: Arrhythmogenic Right Ventricular Dysplasia/Cardiomyopathy 8; ARRHYTHMOGENIC RIGHT VENTRICULAR DYSPLASIA, FAMILIAL, 8; ARRHYTHMOGENIC RIGHT VENTRICULAR CARDIOMYOPATHY 8. Identifiers: MedGen C1843896, MONDO:0011831, OMIM 607450.
Arrhythmogenic cardiomyopathy with wooly hair and keratoderma. Also called: PALMOPLANTAR KERATODERMA WITH LEFT VENTRICULAR CARDIOMYOPATHY AND WOOLLY HAIR; Carvajal syndrome; Dilated cardiomyopathy with woolly hair and keratoderma; Arrhythmogenic cardiomyopathy with woolly hair and keratoderma. Identifiers: Orphanet 65282, MedGen C1854063, MONDO:0011581, OMIM 605676.

Submission:

Labcorp Genetics (formerly Invitae), Labcorp
Classification: Uncertain significance for Arrhythmogenic cardiomyopathy with wooly hair and keratoderma; Arrhythmogenic right ventricular dysplasia 8. Last evaluated: 2024-02-29. Review status: criteria provided, single submitter. Criteria: Invitae Variant Classification Sherloc (09022015). Collection method: clinical testing. Allele origin: germline.
Comment: This sequence change replaces arginine, which is basic and polar, with lysine, which is basic and polar, at codon 39 of the DSP protein (p.Arg39Lys). This variant is not present in population databases (gnomAD no frequency). This variant has not been reported in the literature in individuals affected with DSP-related conditions. Algorithms developed to predict the effect of missense changes on protein structure and function output the following: SIFT: "Not Available"; PolyPhen-2: "Benign"; Align-GVGD: "Not Available". The lysine amino acid residue is found in multiple mammalian species, which suggests that this missense change does not adversely affect protein function. In summary, the available evidence is currently insufficient to determine the role of this variant in disease. Therefore, it has been classified as a Variant of Uncertain Significance.